The following is an entry in ClinVar:

NM_002693.3(POLG):c.1831C>T (p.Pro611Ser)

Gene: POLG (DNA polymerase gamma, catalytic subunit; minus strand). Cytogenetic location: 15q26.1.
Variant type: single nucleotide variant.
Coding change: c.1831C>T on transcript NM_002693.3 (MANE Select); coding-DNA position 1831, C replaced by T.
Protein change: p.Pro611Ser; replaces proline 611 with serine.
Molecular consequence: missense variant.
Genome position (GRCh38, 1-based): chr15:89,325,568, G>A on the plus strand (C>T on the coding strand, the complement: POLG is on the minus strand). VCF-style: chr15-89325568-G-A. GRCh37 (hg19) VCF-style: chr15-89868799-G-A.
Other names: c.1831C>T, p.Pro611Ser (NM_001126131.2); short protein forms P611S.
Identifiers: ClinVar variation 1998876 (VCV001998876.6), dbSNP rs2509248918, ClinGen allele CA393759271.

ClinVar aggregate classification (germline): Uncertain significance. Review status: criteria provided, multiple submitters, no conflicts (2 of 4 stars). 2 submissions from 2 submitters: Uncertain significance (2). Last evaluated 2026-05-01.

Conditions:
Progressive sclerosing poliodystrophy (MTDPS4A). Also called: NEURONAL DEGENERATION OF CHILDHOOD WITH LIVER DISEASE, PROGRESSIVE; ALPERS PROGRESSIVE INFANTILE POLIODYSTROPHY; Mitochondrial DNA depletion syndrome 4A (Alpers type); Mitochondrial DNA Depletion Syndrome 4A; Alpers-Huttenlocher Syndrome (AHS); Alpers Syndrome. Identifiers: Orphanet 726, MedGen C0205710, MONDO:0008758, OMIM 203700.

Submissions (2):

CeGaT Center for Human Genetics Tuebingen
Classification: Uncertain significance. Last evaluated: 2026-05-01. Review status: criteria provided, single submitter. Criteria: CeGaT Center For Human Genetics Tuebingen Variant Classification Criteria Version 2. Collection method: clinical testing. Allele origin: germline. Affected: yes. Observed: 1 variant allele.
Comment: POLG: PM2

Labcorp Genetics (formerly Invitae), Labcorp
Classification: Uncertain significance for Progressive sclerosing poliodystrophy. Last evaluated: 2022-08-30. Review status: criteria provided, single submitter. Criteria: Invitae Variant Classification Sherloc (09022015). Collection method: clinical testing. Allele origin: germline.
Comment: Algorithms developed to predict the effect of sequence changes on RNA splicing suggest that this variant may create or strengthen a splice site. In summary, the available evidence is currently insufficient to determine the role of this variant in disease. Therefore, it has been classified as a Variant of Uncertain Significance. This variant has not been reported in the literature in individuals affected with POLG-related conditions. Algorithms developed to predict the effect of missense changes on protein structure and function (SIFT, PolyPhen-2, Align-GVGD) all suggest that this variant is likely to be disruptive. This sequence change replaces proline, which is neutral and non-polar, with serine, which is neutral and polar, at codon 611 of the POLG protein (p.Pro611Ser). This variant is not present in population databases (gnomAD no frequency).